The following is an entry in ClinVar:

ClinVar aggregate classification (germline): Uncertain significance (1 of 4 stars; one submission).

Submission:

Ambry Genetics
Classification: Uncertain significance. Last evaluated: 2022-04-26. Review status: criteria provided, single submitter. Criteria: Ambry Variant Classification Scheme 2023. Collection method: clinical testing. Allele origin: germline.
Comment: The p.L12P variant (also known as c.35T>C), located in coding exon 1 of the ALPK2 gene, results from a T to C substitution at nucleotide position 35. The leucine at codon 12 is replaced by proline, an amino acid with similar properties. This amino acid position is conserved. In addition, this alteration is predicted to be tolerated by in silico analysis. Since supporting evidence is limited at this time, the clinical significance of this alteration remains unclear.

NM_052947.4(ALPK2):c.35T>C (p.Leu12Pro)

Gene: ALPK2 (alpha kinase 2; minus strand). Cytogenetic location: 18q21.32.
Variant type: single nucleotide variant.
Coding change: c.35T>C on transcript NM_052947.4 (MANE Select); coding-DNA position 35, T replaced by C.
Protein change: p.Leu12Pro; replaces leucine 12 with proline.
Molecular consequence: missense variant.
Genome position (GRCh38, 1-based): chr18:58,611,763, A>G on the plus strand (T>C on the coding strand, the complement: ALPK2 is on the minus strand). VCF-style: chr18-58611763-A-G. GRCh37 (hg19) VCF-style: chr18-56278995-A-G.
Other names: short protein forms L12P.
Identifiers: ClinVar variation 1733081 (VCV001733081.2), dbSNP rs2518915343, ClinGen allele CA402558140.
Genomic context (GRCh38, chr18:58,611,763, plus strand): 5'-CGAAGCACAGCGTCTGACTTCTCAGGAACCTTCTGGGAAAGCAATGTAGATAAAAAACAC[A>G]GCGGGGGCCTCTGGGGCCCTTCGGAGTCTTTCATCCTTTCATGCCGCACCAAATCTGAAA-3'
Protein context (NP_443179.3, residues 2-22): KDSEGPQRPP[Leu12Pro]CFLSTLLSQK